The following is an entry in ClinVar:

NM_001080423.4(GRIP2):c.642C>T (p.Thr214=)

Gene: GRIP2 (glutamate receptor interacting protein 2; minus strand). Cytogenetic location: 3p25.1.
Variant type: single nucleotide variant.
Coding change: c.642C>T on transcript NM_001080423.4 (MANE Select); coding-DNA position 642, C replaced by T.
Protein change: p.Thr214=; no amino-acid change (threonine 214 retained).
Molecular consequence: synonymous variant.
Genome position (GRCh38, 1-based): chr3:14,521,712, G>A on the plus strand (C>T on the coding strand, the complement: GRIP2 is on the minus strand). VCF-style: chr3-14521712-G-A. GRCh37 (hg19) VCF-style: chr3-14563219-G-A.
Identifiers: ClinVar variation 2653583 (VCV002653583.24), dbSNP rs549192518, ClinGen allele CA2269549.

ClinVar aggregate classification (germline): Likely benign (1 of 4 stars; one submission).

Allele frequency attached by ClinVar (database versions not stated): ExAC 0.00003; gnomAD 0.00004; 1000 Genomes Project 30x 0.00016; 1000 Genomes Project 0.00020.
gnomAD v4.1: 10 of 1,611,152 alleles (0.00062%); highest among the groups gnomAD compares: East Asian, 0.011%; no homozygotes.

Submission:

CeGaT Center for Human Genetics Tuebingen
Classification: Likely benign. Last evaluated: 2022-04-01. Review status: criteria provided, single submitter. Criteria: CeGaT Center For Human Genetics Tuebingen Variant Classification Criteria Version 2. Collection method: clinical testing. Allele origin: germline. Affected: yes. Observed: 1 variant allele.
Comment: GRIP2: BP4, BP7